The following is an entry in ClinVar:

ClinVar aggregate classification (germline): Uncertain significance. Review status: criteria provided, multiple submitters, no conflicts (2 of 4 stars). 4 submissions from 4 submitters: Uncertain significance (4). Last evaluated 2026-01-19.

Conditions:
Inborn genetic diseases. Identifiers: MedGen C0950123, MeSH D030342.
Frontotemporal dementia and/or amyotrophic lateral sclerosis 2. Also called: FTDALS2. Identifiers: Orphanet 275872, MedGen C4014648, MONDO:0014395, OMIM 615911.
Lower motor neuron syndrome with late-adult onset (SMAJ). Also called: Spinal muscular atrophy, Jokela type; Late-Onset Spinal Motor Neuronopathy (SMAJ). Identifiers: Orphanet 276435, MedGen C3554398, MONDO:0014025, OMIM 615048.
Autosomal dominant mitochondrial myopathy with exercise intolerance (IMMD). Also called: Myopathy, isolated mitochondrial, autosomal dominant. Identifiers: Orphanet 457050, MedGen C4015513, MONDO:0014532, OMIM 616209.
CHCHD10-related disorder. Also called: CHCHD10-related condition; CHCHD10-Related Disorders. Identifiers: MedGen CN381526.

Allele frequency attached by ClinVar (database versions not stated): gnomAD exomes below 0.00001 and 0.00001; gnomAD 0.00002.

Submissions (4):

Labcorp Genetics (formerly Invitae), Labcorp
Classification: Uncertain significance for Lower motor neuron syndrome with late-adult onset; Frontotemporal dementia and/or amyotrophic lateral sclerosis 2; Autosomal dominant mitochondrial myopathy with exercise intolerance. Last evaluated: 2026-01-19. Review status: criteria provided, single submitter. Criteria: Invitae Variant Classification Sherloc (09022015). Collection method: clinical testing. Allele origin: germline.
Comment: This sequence change replaces glutamine, which is neutral and polar, with proline, which is neutral and non-polar, at codon 108 of the CHCHD10 protein (p.Gln108Pro). The frequency data for this variant in the population databases is considered unreliable, as metrics indicate poor data quality at this position in the gnomAD database. This missense change has been observed in individual(s) with clinical features ofCHCHD10-related conditions (PMID: 29789341). ClinVar contains an entry for this variant (Variation ID: 1399846). An algorithm developed to predict the effect of missense changes on protein structure and function (PolyPhen-2) suggests that this variant is likely to be disruptive. Experimental studies have shown that this missense change affects CHCHD10 function (PMID: 29789341). In summary, the available evidence is currently insufficient to determine the role of this variant in disease. Therefore, it has been classified as a Variant of Uncertain Significance.

PreventionGenetics, part of Exact Sciences
Classification: Uncertain significance for CHCHD10-related condition. Last evaluated: 2025-12-29. Review status: criteria provided, single submitter. Criteria: ACMG Guidelines, 2015. Collection method: clinical testing. Allele origin: germline.
Comment: The CHCHD10 c.323A>C variant is predicted to result in the amino acid substitution p.Gln108Pro. Functional studies also indicate this variant impacts protein localization (Lehmer et al. 2018. PubMed ID: 29789341). This variant is reported in 0.0017% of alleles in individuals of European (non-Finnish) descent in gnomAD. Although we suspect that this variant may be pathogenic, at this time, the clinical significance of this variant is uncertain due to the absence of conclusive functional and genetic evidence.

Revvity Omics, Revvity
Classification: Uncertain significance. Last evaluated: 2023-12-22. Review status: criteria provided, single submitter. Criteria: ACMG Guidelines, 2015. Collection method: clinical testing. Allele origin: germline.

Ambry Genetics
Classification: Uncertain significance for Inborn genetic diseases. Last evaluated: 2023-07-21. Review status: criteria provided, single submitter. Criteria: Ambry Variant Classification Scheme 2023. Collection method: clinical testing. Allele origin: germline.

Literature cited by the submitters: PubMed 29789341 (cited by Labcorp Genetics (formerly Invitae), Labcorp and Ambry Genetics).

NM_213720.3(CHCHD10):c.323A>C (p.Gln108Pro)

Gene: CHCHD10 (coiled-coil-helix-coiled-coil-helix domain containing 10; minus strand). Cytogenetic location: 22q11.23.
Variant type: single nucleotide variant.
Coding change: c.323A>C on transcript NM_213720.3 (MANE Select); coding-DNA position 323, A replaced by C.
Protein change: p.Gln108Pro; replaces glutamine 108 with proline.
Molecular consequence: missense variant. On other transcripts: non-coding transcript variant (2).
Genome position (GRCh38, 1-based): chr22:23,766,214, T>G on the plus strand (A>C on the coding strand, the complement: CHCHD10 is on the minus strand). VCF-style: chr22-23766214-T-G. GRCh37 (hg19) VCF-style: chr22-24108401-T-G.
Other names: c.323A>C (NM_213720.1, NM_213720.2); c.344A>C, p.Gln115Pro (NM_001301339.2); short protein forms Q108P, Q115P.
Identifiers: ClinVar variation 1399846 (VCV001399846.11), dbSNP rs889489701, ClinGen allele CA322572683.
Genomic context (GRCh38, chr22:23,766,214, plus strand): 5'-GCCTCGCTGAAGCCCTCACACAGGGACAGGTCACTCTGAGTGGTGGAACAGTCCAGGAAC[T>G]GCCTGATCTCGTAGGCGCAGGGCCCCATCTGCAGGGGCTGGGGGGCAGCGGGGGTGGGGG-3'
Protein context (NP_998885.1, residues 98-118): QMGPCAYEIR[Gln108Pro]FLDCSTTQSD